The following is an entry in ClinVar:

ClinVar aggregate classification (germline): Conflicting classifications of pathogenicity. Review status: criteria provided, conflicting classifications (1 of 4 stars). 2 submissions from 2 submitters: Uncertain significance (1); Likely benign (1). Last evaluated 2026-06-23.

Conditions:
MYO15A-related disorder. Also called: MYO15A-related condition.

Allele frequency attached by ClinVar (database versions not stated): gnomAD exomes 0.00001 and 0.00002; TOPMed 0.00002.
gnomAD v4.1: 17 of 1,613,388 alleles (0.0011%); highest among the groups gnomAD compares: Admixed American, 0.012%; no homozygotes.

Submissions (2):

PreventionGenetics, part of Exact Sciences
Classification: Uncertain significance for MYO15A-related condition. Last evaluated: 2026-06-23. Review status: criteria provided, single submitter. Criteria: ACMG Guidelines, 2015. Collection method: clinical testing. Allele origin: germline.
Comment: The MYO15A c.10457C>T variant is predicted to result in the amino acid substitution p.Ala3486Val. To our knowledge, this variant has not been reported in the literature. This variant is reported in 0.012% of alleles in individuals of Latino descent in gnomAD. At this time, the clinical significance of this variant is uncertain due to the absence of conclusive functional and genetic evidence.

Laboratory for Molecular Medicine, Mass General Brigham Personalized Medicine
Classification: Likely benign. Last evaluated: 2015-07-30. Review status: criteria provided, single submitter. Criteria: LMM Criteria. Collection method: clinical testing. Allele origin: germline. Observed: 1 variant allele.
Comment: p.Ala3486Val in exon 65 of MYO15A: This variant is not expected to have clinical significance due to a lack of conservation across species, including mammals. O f note, 8 mammals have a valine (Val) at this position despite high nearby amino acid conservation. In addition, computational prediction tools do not suggest a high likelihood of impact to the protein.

NM_016239.4(MYO15A):c.10457C>T (p.Ala3486Val)

Gene: MYO15A (myosin XVA; plus strand). Cytogenetic location: 17p11.2.
Variant type: single nucleotide variant.
Coding change: c.10457C>T on transcript NM_016239.4 (MANE Select); coding-DNA position 10457, C replaced by T.
Protein change: p.Ala3486Val; replaces alanine 3486 with valine.
Molecular consequence: missense variant.
Genome position (GRCh38, 1-based): chr17:18,173,887, C>T. VCF-style: chr17-18173887-C-T. GRCh37 (hg19) VCF-style: chr17-18077201-C-T.
Other names: short protein forms A3486V.
Identifiers: ClinVar variation 227630 (VCV000227630.5), dbSNP rs876657525, ClinGen allele CA10577030.